The following is an entry in ClinVar:

ClinVar aggregate classification (germline): Benign. Review status: criteria provided, multiple submitters, no conflicts (2 of 4 stars). 3 submissions from 3 submitters: Benign (3). Last evaluated 2018-07-05.

Conditions:
Argininosuccinate lyase deficiency. Also called: ARGININOSUCCINIC ACID LYASE DEFICIENCY; ASL DEFICIENCY; Argininosuccinic aciduria. Identifiers: Orphanet 23, MedGen C0268547, MONDO:0008815, OMIM 207900, HP:0025630.

Allele frequency attached by ClinVar (database versions not stated): gnomAD 0.09790 and 0.10285; TOPMed 0.11178; gnomAD exomes 0.12524; 1000 Genomes Project 30x 0.13445; 1000 Genomes Project 0.13658.
gnomAD v4.1: 65,335 of 548,508 alleles (12%); highest among the groups gnomAD compares: Middle Eastern, 23%; 4,613 homozygotes.

Submissions (3):

GeneDx
Classification: Benign. Last evaluated: 2018-07-05. Review status: criteria provided, single submitter. Criteria: GeneDx Variant Classification Process June 2021. Collection method: clinical testing. Allele origin: germline. Affected: yes.

Illumina Laboratory Services, Illumina
Classification: Benign for Argininosuccinate lyase deficiency. Last evaluated: 2018-01-13. Review status: criteria provided, single submitter. Criteria: ICSL Variant Classification Criteria 13 December 2019. Collection method: clinical testing. Allele origin: germline.
Comment: This variant was observed in the ICSL laboratory as part of a predisposition screen in an ostensibly healthy population. It had not been previously curated by ICSL or reported in the Human Gene Mutation Database (HGMD: prior to June 1st, 2018), and was therefore a candidate for classification through an automated scoring system. Utilizing variant allele frequency, disease prevalence and penetrance estimates, and inheritance mode, an automated score was calculated to assess if this variant is too frequent to cause the disease. Based on the score and internal cut-off values, a variant classified as benign is not then subjected to further curation. The score for this variant resulted in a classification of benign for this disease.

Breakthrough Genomics
Classification: Benign. Review status: criteria provided, single submitter. Criteria: ACMG Guidelines, 2015. Collection method: not provided. Allele origin: germline. Inheritance: Autosomal recessive inheritance. Affected: yes.

NM_000048.4(ASL):c.*268G>C

Gene: ASL (argininosuccinate lyase; plus strand). Cytogenetic location: 7q11.21.
Variant type: single nucleotide variant.
Coding change: c.*268G>C on transcript NM_000048.4 (MANE Select); 268 bases downstream of the stop codon, G replaced by C.
Molecular consequence: 3 prime UTR variant.
Genome position (GRCh38, 1-based): chr7:66,093,180, G>C. VCF-style: chr7-66093180-G-C. GRCh37 (hg19) VCF-style: chr7-65558167-G-C.
Other names: c.*268G>C (NM_001024943.2, NM_001024944.2, NM_001024946.2).
Identifiers: ClinVar variation 360573 (VCV000360573.9), dbSNP rs462853, ClinGen allele CA10624179.